The following is an entry in ClinVar:

ClinVar aggregate classification (germline): Likely pathogenic. Review status: criteria provided, multiple submitters, no conflicts (2 of 4 stars). 5 submissions from 5 submitters: Likely pathogenic (2). 3 of the submissions do not count toward it. Last evaluated 2025-02-12.

Conditions:
Epidermolysis bullosa simplex 1A, generalized severe (EBS1A). Also called: Epidermolysis bullosa simplex Dowling-Meara type. Identifiers: Orphanet 79396, MedGen C0079295, MONDO:0007550, OMIM 131760.
Epidermolysis bullosa simplex, Koebner type. Identifiers: Orphanet 79399, MedGen C5561924, MONDO:0007554, OMIM 131900.

Submissions (5):

GeneDx
Classification: Likely pathogenic. Last evaluated: 2025-02-12. Review status: criteria provided, single submitter. Criteria: GeneDx Variant Classification Process June 2021. Collection method: clinical testing. Allele origin: germline. Affected: yes.
Comment: Published functional studies suggest a damaging effect of increased formation of K14 aggregates and increased ER stress response (PMID: 14660619); Not observed at significant frequency in large population cohorts (gnomAD); In silico analysis supports that this missense variant has a deleterious effect on protein structure/function, and is predicted to cause loss of hydrophobic interaction with important K5 residues (PMID: 25017986); This variant is associated with the following publications: (PMID: 1720261, 7539246, 16786515, 14660619, 34830328, 29784039, 25017986)

Labcorp Genetics (formerly Invitae), Labcorp
Classification: Likely pathogenic. Last evaluated: 2024-06-25. Review status: criteria provided, single submitter. Criteria: Invitae Variant Classification Sherloc (09022015). Collection method: clinical testing. Allele origin: germline.
Comment: This sequence change replaces leucine, which is neutral and non-polar, with proline, which is neutral and non-polar, at codon 384 of the KRT14 protein (p.Leu384Pro). This variant is not present in population databases (gnomAD no frequency). This missense change has been observed in individual(s) with epidermolysis bullosa simplex (PMID: 1720261, 16786515). ClinVar contains an entry for this variant (Variation ID: 14611). Advanced modeling of protein sequence and biophysical properties (such as structural, functional, and spatial information, amino acid conservation, physicochemical variation, residue mobility, and thermodynamic stability) performed at Invitae indicates that this missense variant is expected to disrupt KRT14 protein function with a positive predictive value of 80%. In summary, the currently available evidence indicates that the variant is pathogenic, but additional data are needed to prove that conclusively. Therefore, this variant has been classified as Likely Pathogenic.

Zotz-Klimas Genetics Lab, MVZ Zotz Klimas
Classification: Likely pathogenic for Epidermolysis bullosa simplex 1A, generalized severe. Last evaluated: 2023-10-30. Review status: no assertion criteria provided. Collection method: clinical testing. Allele origin: germline. Affected: yes. Not counted in ClinVar's aggregate classification.

OMIM
Classification: Pathogenic for EPIDERMOLYSIS BULLOSA SIMPLEX 1B, GENERALIZED INTERMEDIATE. Last evaluated: 1991-11-22. Review status: no assertion criteria provided. Collection method: literature only. Allele origin: germline. Not counted in ClinVar's aggregate classification.

Epithelial Biology;  Institute of Medical Biology, Singapore
No classification provided. Review status: no classification provided. Collection method: not provided. Allele origin: not provided. Not counted in ClinVar's aggregate classification.

Literature cited by the submitters: PubMed 1720261 (cited by Labcorp Genetics (formerly Invitae), Labcorp and OMIM); PubMed 16786515 (cited by Labcorp Genetics (formerly Invitae), Labcorp); PubMed 1703046 (cited by OMIM).

NM_000526.5(KRT14):c.1151T>C (p.Leu384Pro)

Gene: KRT14 (keratin 14; minus strand). Cytogenetic location: 17q21.2.
Variant type: single nucleotide variant.
Coding change: c.1151T>C on transcript NM_000526.5 (MANE Select); coding-DNA position 1151, T replaced by C.
Protein change: p.Leu384Pro; replaces leucine 384 with proline.
Molecular consequence: missense variant.
Genome position (GRCh38, 1-based): chr17:41,583,358, A>G on the plus strand (T>C on the coding strand, the complement: KRT14 is on the minus strand). VCF-style: chr17-41583358-A-G. GRCh37 (hg19) VCF-style: chr17-39739610-A-G.
Other names: short protein forms L384P.
Identifiers: ClinVar variation 14611 (VCV000014611.6), dbSNP rs59629244, ClinGen allele CA216827.